The following is an entry in ClinVar:

ClinVar aggregate classification (germline): Uncertain significance (1 of 4 stars; one submission).

Allele frequency attached by ClinVar (database versions not stated): TOPMed below 0.00001; gnomAD 0.00001; gnomAD exomes 0.00001.
gnomAD v4.1: 10 of 1,607,316 alleles (0.00062%); highest among the groups gnomAD compares: Non-Finnish European, 0.00085%; no homozygotes.

Submission:

Labcorp Genetics (formerly Invitae), Labcorp
Classification: Uncertain significance. Last evaluated: 2022-05-21. Review status: criteria provided, single submitter. Criteria: Invitae Variant Classification Sherloc (09022015). Collection method: clinical testing. Allele origin: germline.
Comment: In summary, the available evidence is currently insufficient to determine the role of this variant in disease. Therefore, it has been classified as a Variant of Uncertain Significance. Algorithms developed to predict the effect of missense changes on protein structure and function output the following: SIFT: "Tolerated"; PolyPhen-2: "Benign"; Align-GVGD: "Class C0". The asparagine amino acid residue is found in multiple mammalian species, which suggests that this missense change does not adversely affect protein function. This variant has not been reported in the literature in individuals affected with ADAMTS13-related conditions. This variant is present in population databases (no rsID available, gnomAD 0.001%). This sequence change replaces serine, which is neutral and polar, with asparagine, which is neutral and polar, at codon 1008 of the ADAMTS13 protein (p.Ser1008Asn).

NM_139027.6(ADAMTS13):c.3023G>A (p.Ser1008Asn)

Gene: ADAMTS13 (ADAM metallopeptidase with thrombospondin type 1 motif 13; plus strand). Cytogenetic location: 9q34.2.
Variant type: single nucleotide variant.
Coding change: c.3023G>A on transcript NM_139027.6 (MANE Select); coding-DNA position 3023, G replaced by A.
Protein change: p.Ser1008Asn; replaces serine 1008 with asparagine.
Molecular consequence: missense variant. On other transcripts: non-coding transcript variant (1).
Genome position (GRCh38, 1-based): chr9:133,449,944, G>A. VCF-style: chr9-133449944-G-A. GRCh37 (hg19) VCF-style: chr9-136315065-G-A.
Other names: c.3023G>A, p.Ser1008Asn (NM_139025.5); c.2930G>A, p.Ser977Asn (NM_139026.6); short protein forms S1008N, S977N.
Identifiers: ClinVar variation 1986302 (VCV001986302.4), dbSNP rs1364275714, ClinGen allele CA375406900.